The following is an entry in ClinVar:

NM_018406.7(MUC4):c.10730T>C (p.Val3577Ala)

Gene: MUC4 (mucin 4, cell surface associated). Cytogenetic location: 3q29.
Variant type: single nucleotide variant.
Coding change: c.10730T>C on transcript NM_018406.7 (MANE Select); coding-DNA position 10730, T replaced by C.
Protein change: p.Val3577Ala; replaces valine 3577 with alanine.
Molecular consequence: missense variant. On other transcripts: no sequence alteration (1), genic upstream transcript variant (2).
Genome position (GRCh38, 1-based): chr3:195,780,850, A>G on the plus strand (T>C on the coding strand, the complement: MUC4 is on the minus strand). VCF-style: chr3-195780850-A-G. GRCh37 (hg19) VCF-style: chr3-195507721-A-G.
Other names: c.15500=, p.Ala5167= (NM_001322468.1); c.83-6545T>C (NM_138297.5); c.83-2395T>C (NM_004532.6); short protein forms V3577A.
Identifiers: ClinVar variation 2654415 (VCV002654415.24), dbSNP rs199985629, ClinGen allele CA2769927.

ClinVar aggregate classification (germline): Likely benign (1 of 4 stars; one submission).

Allele frequency attached by ClinVar (database versions not stated): gnomAD exomes 0.00046; gnomAD 0.00054; ExAC 0.00221.
gnomAD v4.1: 547 of 1,170,388 alleles (0.047%); highest among the groups gnomAD compares: Middle Eastern, 0.21%; 8 homozygotes.

Submission:

CeGaT Center for Human Genetics Tuebingen
Classification: Likely benign. Last evaluated: 2023-08-01. Review status: criteria provided, single submitter. Criteria: CeGaT Center For Human Genetics Tuebingen Variant Classification Criteria Version 2. Collection method: clinical testing. Allele origin: germline. Affected: yes. Observed: 2 variant alleles.
Comment: MUC4: BS2